The following is an entry in ClinVar:

ClinVar aggregate classification (germline): Likely benign. Review status: criteria provided, multiple submitters, no conflicts (2 of 4 stars). 3 submissions from 3 submitters: Likely benign (3). Last evaluated 2023-12-13.

Conditions:
Malignant hyperthermia, susceptibility to, 1 (MHS1). Also called: Malignant hyperthermia suceptibility 1; Anesthesia related hyperthermia; Malignant hyperpyrexia; Fulminating hyperpyrexia; Pharmacogenic myopathy; RYR1-Related Malignant Hyperthermia Susceptibility. Identifiers: Orphanet 423, MedGen C2930980, MONDO:0007783, OMIM 145600.
RYR1-related disorder. Also called: RYR1-related condition; RYR1-related disorders. Identifiers: MedGen CN239331.

Allele frequency attached by ClinVar (database versions not stated): gnomAD exomes below 0.00001.
gnomAD v4.1: 2 of 1,613,524 alleles (0.00012%); highest among the groups gnomAD compares: East Asian, 0.0045%; no homozygotes.

Submissions (3):

All of Us Research Program, National Institutes of Health
Classification: Likely benign for Malignant hyperthermia, susceptibility to, 1. Last evaluated: 2023-12-13. Review status: criteria provided, single submitter. Criteria: ACMG Guidelines, 2015. Collection method: clinical testing. Allele origin: germline. Inheritance: Autosomal dominant inheritance. Observed: 1 variant allele, 1 heterozygote.
Comment: This study involves interpretation of variants in research participants for the purpose of population health screening. Participant phenotype was not available at the time of variant classification. Additional details can be found in publication PMID: 35346344, PMCID: PMC8962531

Color Diagnostics, LLC DBA Color Health
Classification: Likely benign for Malignant hyperthermia, susceptibility to, 1. Last evaluated: 2023-11-08. Review status: criteria provided, single submitter. Criteria: ACMG Guidelines, 2015. Collection method: clinical testing. Allele origin: germline.

Labcorp Genetics (formerly Invitae), Labcorp
Classification: Likely benign for RYR1-related disorder. Last evaluated: 2023-06-09. Review status: criteria provided, single submitter. Criteria: Invitae Variant Classification Sherloc (09022015). Collection method: clinical testing. Allele origin: germline.

NM_000540.3(RYR1):c.7602C>T (p.Ala2534=)

Gene: RYR1 (ryanodine receptor 1; plus strand). Cytogenetic location: 19q13.2.
Variant type: single nucleotide variant.
Coding change: c.7602C>T on transcript NM_000540.3 (MANE Select); coding-DNA position 7602, C replaced by T.
Protein change: p.Ala2534=; no amino-acid change (alanine 2534 retained).
Molecular consequence: synonymous variant.
Genome position (GRCh38, 1-based): chr19:38,500,978, C>T. VCF-style: chr19-38500978-C-T. GRCh37 (hg19) VCF-style: chr19-38991618-C-T.
Other names: c.7602C>T, p.Ala2534= (NM_001042723.2).
Identifiers: ClinVar variation 2899262 (VCV002899262.5), dbSNP rs1307441520, ClinGen allele CA082489.
Genomic context (GRCh38, chr19:38,500,978, plus strand): 5'-CCAGGACTTCTTGCTGCACGTGCTGGACGTGGGGTTCCTGCCCGACATGAGGGCAGCCGC[C>T]TCGCTGGACACGGTGAGCAACCCTGCCCAGCCTGGCCACCCTCCCCACTTCCACAGAGGG-3'
Protein context (NP_000531.2, residues 2524-2544): VGFLPDMRAA[Ala2534=]SLDTATFSTT